The following is an entry in ClinVar:

ClinVar aggregate classification (germline): Uncertain significance. Review status: criteria provided, multiple submitters, no conflicts (2 of 4 stars). 3 submissions from 3 submitters: Uncertain significance (3). Last evaluated 2026-01-14.

Conditions:
Cardiac arrhythmia. Also called: Arrhythmia; Cardiac rhythm disease. Identifiers: MedGen C0003811, MONDO:0007263, HP:0011675.

Allele frequency attached by ClinVar (database versions not stated): TOPMed 0.00023; gnomAD 0.00025 and 0.00027; gnomAD exomes 0.00027 and 0.00043; ExAC 0.00030; ESP Exome Variant Server 0.00023.
gnomAD v4.1: 652 of 1,614,116 alleles (0.04%); highest among the groups gnomAD compares: Non-Finnish European, 0.053%; 1 homozygote.

Submissions (3):

Labcorp Genetics (formerly Invitae), Labcorp
Classification: Uncertain significance for Cardiac arrhythmia. Last evaluated: 2026-01-14. Review status: criteria provided, single submitter. Criteria: Invitae Variant Classification Sherloc (09022015). Collection method: clinical testing. Allele origin: germline.
Comment: This sequence change falls in intron 1 of the RANGRF gene. It does not directly change the encoded amino acid sequence of the RANGRF protein. It affects a nucleotide within the consensus splice site. This variant is present in population databases (rs369372561, gnomAD 0.05%), and has an allele count higher than expected for a pathogenic variant. This variant has not been reported in the literature in individuals affected with RANGRF-related conditions. ClinVar contains an entry for this variant (Variation ID: 392547). Variants that disrupt the consensus splice site are a relatively common cause of aberrant splicing (PMID: 17576681, 9536098). Algorithms developed to predict the effect of sequence changes on RNA splicing suggest that this variant may disrupt the consensus splice site. In summary, the available evidence is currently insufficient to determine the role of this variant in disease. Therefore, it has been classified as a Variant of Uncertain Significance.

GeneDx
Classification: Uncertain significance. Last evaluated: 2025-07-21. Review status: criteria provided, single submitter. Criteria: GeneDx Variant Classification Process June 2021. Collection method: clinical testing. Allele origin: germline. Affected: yes.
Comment: Has not been previously published as pathogenic or benign to our knowledge; Variants in candidate genes are classified as variants of uncertain significance in accordance with ACMG guidelines (PMID: 25741868); In silico analysis supports a deleterious effect on splicing

Fulgent Genetics
Classification: Uncertain significance for Ventricular arrhythmias due to cardiac ryanodine receptor calcium release deficiency syndrome. Last evaluated: 2018-10-31. Review status: criteria provided, single submitter. Criteria: ACMG Guidelines, 2015. Collection method: clinical testing. Allele origin: unknown.

Literature cited by the submitters: PubMed 17576681 (cited by Labcorp Genetics (formerly Invitae), Labcorp); PubMed 9536098 (cited by Labcorp Genetics (formerly Invitae), Labcorp).

NM_016492.5(RANGRF):c.77+5G>A

Genes: RANGRF (RAN guanine nucleotide release factor; plus strand), SLC25A35 (solute carrier family 25 member 35; minus strand). Cytogenetic location: 17p13.1.
Variant type: single nucleotide variant.
Coding change: c.77+5G>A on transcript NM_016492.5 (MANE Select); 5 bases into the intron after coding-DNA position 77, G replaced by A.
Molecular consequence: intron variant. On other transcripts: 3 prime UTR variant (2), non-coding transcript variant (2).
Genome position (GRCh38, 1-based): chr17:8,288,870, G>A. VCF-style: chr17-8288870-G-A. GRCh37 (hg19) VCF-style: chr17-8192188-G-A.
Other names: c.*613C>T (NM_001320872.2); c.*746C>T (NM_201520.3); c.*43-438C>T (NM_001320871.2); c.77+5G>A (NM_001177802.2, NM_001177801.2, NM_001330127.2).
Identifiers: ClinVar variation 392547 (VCV000392547.19), dbSNP rs369372561, ClinGen allele CA8374298.